The following is an entry in ClinVar:

NM_000051.4(ATM):c.3532A>T (p.Lys1178Ter)

Gene: ATM (ATM serine/threonine kinase; plus strand). Cytogenetic location: 11q22.3.
Variant type: single nucleotide variant.
Coding change: c.3532A>T on transcript NM_000051.4 (MANE Select); coding-DNA position 3532, A replaced by T.
Protein change: p.Lys1178Ter; replaces lysine 1178 with a stop codon.
Molecular consequence: nonsense.
Genome position (GRCh38, 1-based): chr11:108,281,124, A>T. VCF-style: chr11-108281124-A-T. GRCh37 (hg19) VCF-style: chr11-108151851-A-T.
Other names: c.3532A>T, p.Lys1178Ter (NM_001351834.2); short protein forms K1178*.
Identifiers: ClinVar variation 450892 (VCV000450892.8), dbSNP rs1555091359, ClinGen allele CA382520194.
Genomic context (GRCh38, chr11:108,281,124, plus strand): 5'-ATAGCTGTGGTTTTATCCTGTAGCCCTATCTGCGAAAAACAGGCTTTGTTTGCCCTGTGT[A>T]AATCTGTGAAAGAGAATGGATTAGAACCTCACCTTGTGAAAAAGGTATATATGGATGAGT-3'

ClinVar aggregate classification (germline): Pathogenic/Likely pathogenic. Review status: criteria provided, multiple submitters, no conflicts (2 of 4 stars). 4 submissions from 4 submitters: Pathogenic (3); Likely pathogenic (1). Last evaluated 2024-01-22.

Conditions:
Hereditary cancer-predisposing syndrome. Also called: Tumor predisposition; Hereditary Cancer Syndrome; Neoplastic Syndromes, Hereditary; Hereditary neoplastic syndrome. Identifiers: Orphanet 140162, MedGen C0027672, MeSH D009386, MONDO:0015356.
Familial cancer of breast. Also called: Hereditary breast cancer; hereditary breast carcinoma; BREAST CANCER, FAMILIAL. Identifiers: Orphanet 227535, MedGen C0346153, MONDO:0016419, OMIM 114480. Disease mechanism: loss of function.
Ataxia-telangiectasia syndrome (AT). Also called: Cerebello-oculocutaneous telangiectasia; Immunodeficiency with ataxia telangiectasia; Ataxia-telangiectasia, complementation group D; AT, COMPLEMENTATION GROUP C; Ataxia-telangiectasia, complementation group E; LOUIS-BAR SYNDROME. Identifiers: Orphanet 100, MedGen C0004135, MONDO:0008840, OMIM 208900.

Submissions (4):

Myriad Genetics, Inc.
Classification: Pathogenic for Familial cancer of breast. Last evaluated: 2024-01-22. Review status: criteria provided, single submitter. Criteria: Myriad Autosomal Dominant, Autosomal Recessive and X-Linked Classification Criteria (2023). Collection method: clinical testing. Allele origin: unknown.
Comment: This variant is considered pathogenic. This variant creates a termination codon and is predicted to result in premature protein truncation.

Ambry Genetics
Classification: Pathogenic for Hereditary cancer-predisposing syndrome. Last evaluated: 2023-08-28. Review status: criteria provided, single submitter. Criteria: Ambry Variant Classification Scheme 2023. Collection method: clinical testing. Allele origin: germline.
Comment: The p.K1178* pathogenic mutation (also known as c.3532A>T), located in coding exon 23 of the ATM gene, results from an A to T substitution at nucleotide position 3532. This changes the amino acid from a lysine to a stop codon within coding exon 23. This alteration is expected to result in loss of function by premature protein truncation or nonsense-mediated mRNA decay. As such, this alteration is interpreted as a disease-causing mutation.

Labcorp Genetics (formerly Invitae), Labcorp
Classification: Pathogenic for Ataxia-telangiectasia syndrome. Last evaluated: 2023-02-23. Review status: criteria provided, single submitter. Criteria: Invitae Variant Classification Sherloc (09022015). Collection method: clinical testing. Allele origin: germline.
Comment: ClinVar contains an entry for this variant (Variation ID: 450892). This variant has not been reported in the literature in individuals affected with ATM-related conditions. This variant is not present in population databases (gnomAD no frequency). This sequence change creates a premature translational stop signal (p.Lys1178*) in the ATM gene. It is expected to result in an absent or disrupted protein product. Loss-of-function variants in ATM are known to be pathogenic (PMID: 23807571, 25614872). For these reasons, this variant has been classified as Pathogenic.

GeneDx
Classification: Likely pathogenic. Last evaluated: 2017-07-20. Review status: criteria provided, single submitter. Criteria: GeneDx Variant Classification (06012015). Collection method: clinical testing. Allele origin: germline. Affected: yes.
Comment: This variant is denoted ATM c.3532A>T at the cDNA level and p.Lys1178Ter (K1178X) at the proteinlevel. The substitution creates a nonsense variant, which changes a Lysine to a premature stop codon (AAA>TAA), andis predicted to cause loss of normal protein function through either protein truncation or nonsense-mediated mRNAdecay. Although this variant has not, to our knowledge, been reported in the literature, it is considered likely pathogenic

Literature cited by the submitters: PubMed 23807571 (cited by Labcorp Genetics (formerly Invitae), Labcorp); PubMed 25614872 (cited by Labcorp Genetics (formerly Invitae), Labcorp).